The following is an entry in ClinVar:

ClinVar aggregate classification (germline): Conflicting classifications of pathogenicity. Review status: criteria provided, conflicting classifications (1 of 4 stars). 2 submissions from 2 submitters: Uncertain significance (1); Likely benign (1). Last evaluated 2025-12-22.

Conditions:
Cardiovascular phenotype. Identifiers: MedGen CN230736.
Hereditary hemorrhagic telangiectasia (HHT). Also called: ORW DISEASE; Osler Weber Rendu syndrome; OSLER-RENDU-WEBER DISEASE; Osler hemorrhagic telangiectasia syndrome. Identifiers: Orphanet 774, MedGen C0039445, MONDO:0019180. Disease mechanism: loss of function.

Allele frequency attached by ClinVar (database versions not stated): TOPMed 0.00001; ExAC 0.00001.

Submissions (2):

Ambry Genetics
Classification: Uncertain significance for Cardiovascular phenotype. Last evaluated: 2025-12-22. Review status: criteria provided, single submitter. Criteria: Ambry Variant Classification Scheme 2023. Collection method: clinical testing. Allele origin: germline.
Comment: The p.R304G variant (also known as c.910C>G), located in coding exon 7 of the ENG gene, results from a C to G substitution at nucleotide position 910. The arginine at codon 304 is replaced by glycine, an amino acid with dissimilar properties. This amino acid position is conserved. In addition, this alteration is predicted to be tolerated by in silico analysis. Based on the available evidence, the clinical significance of this variant remains unclear.

Labcorp Genetics (formerly Invitae), Labcorp
Classification: Likely benign for Hereditary hemorrhagic telangiectasia. Last evaluated: 2022-09-01. Review status: criteria provided, single submitter. Criteria: Invitae Variant Classification Sherloc (09022015). Collection method: clinical testing. Allele origin: germline.

NM_001114753.3(ENG):c.910C>G (p.Arg304Gly)

Gene: ENG (endoglin; minus strand). Cytogenetic location: 9q34.11.
Variant type: single nucleotide variant.
Coding change: c.910C>G on transcript NM_001114753.3 (MANE Select); coding-DNA position 910, C replaced by G.
Protein change: p.Arg304Gly; replaces arginine 304 with glycine.
Molecular consequence: missense variant.
Genome position (GRCh38, 1-based): chr9:127,824,881, G>C on the plus strand (C>G on the coding strand, the complement: ENG is on the minus strand). VCF-style: chr9-127824881-G-C. GRCh37 (hg19) VCF-style: chr9-130587160-G-C.
Other names: c.910C>G, p.Arg304Gly (NM_000118.4, NM_001406715.1); c.364C>G, p.Arg122Gly (NM_001278138.2); c.910C>G (NM_001114753.1); short protein forms R122G, R304G.
Identifiers: ClinVar variation 871271 (VCV000871271.20), dbSNP rs754842280, ClinGen allele CA5252940.